The following is an entry in ClinVar:

ClinVar aggregate classification (germline): Likely benign (0 of 4 stars; one submission).

Conditions:
CEP290-related disorder. Also called: CEP290-related condition; CEP290-related disorders. Identifiers: MedGen CN239314.

Submission:

PreventionGenetics, part of Exact Sciences
Classification: Likely benign for CEP290-related condition. Last evaluated: 2024-06-10. Review status: no assertion criteria provided. Collection method: clinical testing. Allele origin: germline.
Comment: This variant is classified as likely benign based on ACMG/AMP sequence variant interpretation guidelines (Richards et al. 2015 PMID: 25741868, with internal and published modifications).

NM_025114.4(CEP290):c.4704+24T>G

Gene: CEP290 (centrosomal protein 290; minus strand). Cytogenetic location: 12q21.32.
Variant type: single nucleotide variant.
Coding change: c.4704+24T>G on transcript NM_025114.4 (MANE Select); 24 bases into the intron after coding-DNA position 4704, T replaced by G.
Molecular consequence: intron variant.
Genome position (GRCh38, 1-based): chr12:88,084,562, A>C on the plus strand (T>G on the coding strand, the complement: CEP290 is on the minus strand). VCF-style: chr12-88084562-A-C. GRCh37 (hg19) VCF-style: chr12-88478339-A-C.
Identifiers: ClinVar variation 3347920 (VCV003347920.1).